The following is an entry in ClinVar:

NM_003924.4(PHOX2B):c.17A>G (p.Tyr6Cys)

Genes: PHOX2B (paired like homeobox 2B; minus strand), PHOX2B-AS1 (PHOX2B antisense RNA 1; plus strand). Cytogenetic location: 4p13.
Variant type: single nucleotide variant.
Coding change: c.17A>G on transcript NM_003924.4 (MANE Select); coding-DNA position 17, A replaced by G.
Protein change: p.Tyr6Cys; replaces tyrosine 6 with cysteine.
Molecular consequence: missense variant.
Genome position (GRCh38, 1-based): chr4:41,748,594, T>C on the plus strand (A>G on the coding strand, the complement: PHOX2B is on the minus strand). VCF-style: chr4-41748594-T-C. GRCh37 (hg19) VCF-style: chr4-41750611-T-C.
Other names: c.17A>G (NM_003924.3); short protein forms Y6C.
Identifiers: ClinVar variation 1360236 (VCV001360236.9), dbSNP rs2153113082, ClinGen allele CA356741400.

ClinVar aggregate classification (germline): Uncertain significance. Review status: criteria provided, multiple submitters, no conflicts (2 of 4 stars). 2 submissions from 2 submitters: Uncertain significance (2). Last evaluated 2024-05-01.

Conditions:
Hereditary cancer-predisposing syndrome. Also called: Tumor predisposition; Hereditary neoplastic syndrome; Neoplastic Syndromes, Hereditary; Hereditary Cancer Syndrome. Identifiers: Orphanet 140162, MedGen C0027672, MeSH D009386, MONDO:0015356.
Haddad syndrome (OHD). Also called: Ondine-Hirschsprung disease. Identifiers: Orphanet 99803, MedGen C1859049, MONDO:0020493.

Submissions (2):

Ambry Genetics
Classification: Uncertain significance for Hereditary cancer-predisposing syndrome. Last evaluated: 2024-05-01. Review status: criteria provided, single submitter. Criteria: Ambry Variant Classification Scheme 2023. Collection method: clinical testing. Allele origin: germline.
Comment: The p.Y6C variant (also known as c.17A>G), located in coding exon 1 of the PHOX2B gene, results from an A to G substitution at nucleotide position 17. The tyrosine at codon 6 is replaced by cysteine, an amino acid with highly dissimilar properties. This amino acid position is highly conserved in available vertebrate species. In addition, this alteration is predicted to be deleterious by in silico analysis. Based on the available evidence, the clinical significance of this variant remains unclear.

Labcorp Genetics (formerly Invitae), Labcorp
Classification: Uncertain significance for Haddad syndrome. Last evaluated: 2021-06-10. Review status: criteria provided, single submitter. Criteria: Invitae Variant Classification Sherloc (09022015). Collection method: clinical testing. Allele origin: germline.
Comment: This variant is not present in population databases (ExAC no frequency). This sequence change replaces tyrosine with cysteine at codon 6 of the PHOX2B protein (p.Tyr6Cys). The tyrosine residue is highly conserved and there is a large physicochemical difference between tyrosine and cysteine. In summary, the available evidence is currently insufficient to determine the role of this variant in disease. Therefore, it has been classified as a Variant of Uncertain Significance. Algorithms developed to predict the effect of missense changes on protein structure and function (SIFT, PolyPhen-2, Align-GVGD) all suggest that this variant is likely to be disruptive, but these predictions have not been confirmed by published functional studies and their clinical significance is uncertain. This variant has not been reported in the literature in individuals with PHOX2B-related conditions.